The following is an entry in ClinVar:

ClinVar aggregate classification (germline): Uncertain significance. Review status: criteria provided, multiple submitters, no conflicts (2 of 4 stars). 2 submissions from 2 submitters: Uncertain significance (2). Last evaluated 2022-12-14.

Conditions:
Neurodevelopmental disorder with or without hyperkinetic movements and seizures, autosomal dominant. Also called: Intellectual disability, autosomal dominant 8. Identifiers: MedGen C3280282, MONDO:0013655, OMIM 614254.

Allele frequency attached by ClinVar (database versions not stated): TOPMed below 0.00001; gnomAD 0.00001.
gnomAD v4.1: 1 of 1,595,304 alleles (0.000063%); highest among the groups gnomAD compares: African/African-American, 0.0013%; no homozygotes.

Submissions (2):

Women's Health and Genetics/Laboratory Corporation of America, LabCorp
Classification: Uncertain significance. Last evaluated: 2022-12-14. Review status: criteria provided, single submitter. Criteria: LabCorp Variant Classification Summary - May 2015. Collection method: clinical testing. Allele origin: germline.
Comment: Variant summary: GRIN1 c.2170A>T (p.Asn724Tyr) results in a non-conservative amino acid change in the encoded protein sequence. Two of three in-silico tools predict a damaging effect of the variant on protein function. 2/4 computational tools predict no significant impact on normal splicing. 2/4 computational tools predict the variant abolishes the canonical 5' splicing donor site. However, these predictions have yet to be confirmed by functional studies. The variant was absent in 211878 control chromosomes (gnomAD). The available data on variant occurrences in the general population are insufficient to allow any conclusion about variant significance. To our knowledge, no occurrence of c.2170A>T in individuals affected with Neurodevelopmental Disorder With Or Without Hyperkinetic Movements And Seizures, Autosomal Dominant and no experimental evidence demonstrating its impact on protein function have been reported. One clinical diagnostic laboratory has submitted clinical-significance assessments for this variant to ClinVar after 2014 and classified the variant as uncertain significance. Based on the evidence outlined above, the variant was classified as uncertain significance.

Labcorp Genetics (formerly Invitae), Labcorp
Classification: Uncertain significance for Neurodevelopmental disorder with or without hyperkinetic movements and seizures, autosomal dominant. Last evaluated: 2022-02-03. Review status: criteria provided, single submitter. Criteria: Invitae Variant Classification Sherloc (09022015). Collection method: clinical testing. Allele origin: germline.
Comment: In summary, the available evidence is currently insufficient to determine the role of this variant in disease. Therefore, it has been classified as a Variant of Uncertain Significance. Algorithms developed to predict the effect of sequence changes on RNA splicing suggest that this variant may disrupt the consensus splice site. Algorithms developed to predict the effect of missense changes on protein structure and function are either unavailable or do not agree on the potential impact of this missense change (SIFT: "Deleterious"; PolyPhen-2: "Possibly Damaging"; Align-GVGD: "Class C0"). This variant has not been reported in the literature in individuals affected with GRIN1-related conditions. This variant is not present in population databases (gnomAD no frequency). This sequence change replaces asparagine, which is neutral and polar, with tyrosine, which is neutral and polar, at codon 724 of the GRIN1 protein (p.Asn724Tyr).

NM_007327.4(GRIN1):c.2170A>T (p.Asn724Tyr)

Gene: GRIN1 (glutamate ionotropic receptor NMDA type subunit 1; plus strand). Cytogenetic location: 9q34.3.
Variant type: single nucleotide variant.
Coding change: c.2170A>T on transcript NM_007327.4 (MANE Select); coding-DNA position 2170, A replaced by T.
Protein change: p.Asn724Tyr; replaces asparagine 724 with tyrosine.
Molecular consequence: missense variant.
Genome position (GRCh38, 1-based): chr9:137,163,002, A>T. VCF-style: chr9-137163002-A-T. GRCh37 (hg19) VCF-style: chr9-140057454-A-T.
Other names: c.2170A>T, p.Asn724Tyr (NM_000832.7, NM_021569.4); c.2233A>T, p.Asn745Tyr (NM_001185090.2, NM_001185091.2); short protein forms N724Y, N745Y.
Identifiers: ClinVar variation 1430532 (VCV001430532.9), dbSNP rs766459225, ClinGen allele CA5361059.